The following is an entry in ClinVar:

NM_020632.3(ATP6V0A4):c.1586C>A (p.Ala529Asp)

Gene: ATP6V0A4 (ATPase H+ transporting V0 subunit a4; minus strand). Cytogenetic location: 7q34.
Variant type: single nucleotide variant.
Coding change: c.1586C>A on transcript NM_020632.3 (MANE Select); coding-DNA position 1586, C replaced by A.
Protein change: p.Ala529Asp; replaces alanine 529 with aspartic acid.
Molecular consequence: missense variant.
Genome position (GRCh38, 1-based): chr7:138,734,241, G>T on the plus strand (C>A on the coding strand, the complement: ATP6V0A4 is on the minus strand). VCF-style: chr7-138734241-G-T. GRCh37 (hg19) VCF-style: chr7-138418986-G-T.
Other names: c.1586C>A, p.Ala529Asp (NM_130840.3, NM_130841.3); c.1586C>A (NM_020632.2); short protein forms A529D.
Identifiers: ClinVar variation 1896743 (VCV001896743.4), dbSNP rs746972170, ClinGen allele CA4504703.
Genomic context (GRCh38, chr7:138,734,241, plus strand): 5'-ATTCCCAGGATCACCGACATCTTCATTTTATACGAGTTCAGAAATGTGAGTTTGTTTGAA[G>T]CCAAGTTCCAAATCTGGATGGGAAATGGGACAAAAAACCAAGTGAGAGAGAGTCTTAGAA-3'
Protein context (NP_065683.2, residues 519-539): PFGIDPIWNL[Ala529Asp]SNKLTFLNSY

ClinVar aggregate classification (germline): Uncertain significance. Review status: criteria provided, multiple submitters, no conflicts (2 of 4 stars). 2 submissions from 2 submitters: Uncertain significance (2). Last evaluated 2025-12-15.

Conditions:
Inborn genetic diseases. Identifiers: MedGen C0950123, MeSH D030342.

Allele frequency attached by ClinVar (database versions not stated): gnomAD 0.00001; ExAC 0.00002; TOPMed 0.00002.
gnomAD v4.1: 34 of 1,613,240 alleles (0.0021%); highest among the groups gnomAD compares: Non-Finnish European, 0.0026%; no homozygotes.

Submissions (2):

Ambry Genetics
Classification: Uncertain significance for Inborn genetic diseases. Last evaluated: 2025-12-15. Review status: criteria provided, single submitter. Criteria: Ambry Variant Classification Scheme 2023. Collection method: clinical testing. Allele origin: germline.

Labcorp Genetics (formerly Invitae), Labcorp
Classification: Uncertain significance. Last evaluated: 2025-06-12. Review status: criteria provided, single submitter. Criteria: Invitae Variant Classification Sherloc (09022015). Collection method: clinical testing. Allele origin: germline.
Comment: This sequence change replaces alanine, which is neutral and non-polar, with aspartic acid, which is acidic and polar, at codon 529 of the ATP6V0A4 protein (p.Ala529Asp). This variant is present in population databases (rs746972170, gnomAD 0.003%). This missense change has been observed in individual(s) with renal tubular acidosis (internal data). ClinVar contains an entry for this variant (Variation ID: 1896743). Invitae Evidence Modeling of protein sequence and biophysical properties (such as structural, functional, and spatial information, amino acid conservation, physicochemical variation, residue mobility, and thermodynamic stability) indicates that this missense variant is expected to disrupt ATP6V0A4 protein function with a positive predictive value of 80%. In summary, the available evidence is currently insufficient to determine the role of this variant in disease. Therefore, it has been classified as a Variant of Uncertain Significance.